The following is an entry in ClinVar:

ClinVar aggregate classification (germline): Uncertain significance. Review status: criteria provided, multiple submitters, no conflicts (2 of 4 stars). 6 submissions from 6 submitters: Uncertain significance (5). 1 of the submissions does not count toward it. Last evaluated 2026-01-02.

Conditions:
Inborn genetic diseases. Identifiers: MedGen C0950123, MeSH D030342.
Exercise-induced hyperinsulinism (HHF7). Identifiers: Orphanet 165991, MedGen C1864902, MONDO:0012396, OMIM 610021.

Allele frequency attached by ClinVar (database versions not stated): gnomAD 0.00003; gnomAD exomes 0.00003; ExAC 0.00004; TOPMed 0.00004; ESP Exome Variant Server 0.00008.
gnomAD v4.1: 51 of 1,614,060 alleles (0.0032%); highest among the groups gnomAD compares: East Asian, 0.0067%; no homozygotes.

Submissions (6):

Labcorp Genetics (formerly Invitae), Labcorp
Classification: Uncertain significance. Last evaluated: 2026-01-02. Review status: criteria provided, single submitter. Criteria: Invitae Variant Classification Sherloc (09022015). Collection method: clinical testing. Allele origin: germline.
Comment: This sequence change replaces valine, which is neutral and non-polar, with isoleucine, which is neutral and non-polar, at codon 373 of the SLC16A1 protein (p.Val373Ile). This variant is present in population databases (rs200802632, gnomAD 0.01%). This variant has not been reported in the literature in individuals affected with SLC16A1-related conditions. ClinVar contains an entry for this variant (Variation ID: 291859). An algorithm developed to predict the effect of missense changes on protein structure and function (PolyPhen-2) suggests that this variant is likely to be tolerated. In summary, the available evidence is currently insufficient to determine the role of this variant in disease. Therefore, it has been classified as a Variant of Uncertain Significance.

GeneDx
Classification: Uncertain significance. Last evaluated: 2024-04-08. Review status: criteria provided, single submitter. Criteria: GeneDx Variant Classification Process June 2021. Collection method: clinical testing. Allele origin: germline. Affected: yes.
Comment: In silico analysis indicates that this missense variant does not alter protein structure/function; Has not been previously published as pathogenic or benign in association with an SLC16A1-related disorder to our knowledge; This variant is associated with the following publications: (PMID: 26740555, 28719003)

Ambry Genetics
Classification: Uncertain significance for Inborn genetic diseases. Last evaluated: 2022-07-08. Review status: criteria provided, single submitter. Criteria: Ambry Variant Classification Scheme 2023. Collection method: clinical testing. Allele origin: germline.

Illumina Laboratory Services, Illumina
Classification: Uncertain significance for Exercise-induced hyperinsulinism. Last evaluated: 2018-01-13. Review status: criteria provided, single submitter. Criteria: ICSL Variant Classification Criteria 13 December 2019. Collection method: clinical testing. Allele origin: germline.

CeGaT Center for Human Genetics Tuebingen
Classification: Uncertain significance. Last evaluated: 2017-05-01. Review status: criteria provided, single submitter. Criteria: CeGaT Center For Human Genetics Tuebingen Variant Classification Criteria Version 2. Collection method: clinical testing. Allele origin: germline. Affected: yes. Observed: 1 variant allele.

Genetic Services Laboratory, University of Chicago
Classification: Uncertain significance. Last evaluated: 2022-07-23. Review status: no assertion criteria provided. Collection method: clinical testing. Allele origin: germline. Affected: no. Not counted in ClinVar's aggregate classification.
Comment: DNA sequence analysis of the SLC16A1 gene demonstrated a sequence change, c.1117G>A, in exon 4 that results in an amino acid change, p.Val373Ile. This sequence change does not appear to have been previously described in individuals with SLC16A1-related disorders. This sequence change has been described in the gnomAD database with a frequency of 0.009% in the Ashkenazi Jewish subpopulation (dbSNP rs200802632). The p.Val373Ile change affects a moderately conserved amino acid residue located in a domain of the SLC16A1 protein that is known to be functional. The p.Val373Ile substitution appears to be benign using several in-silico pathogenicity prediction tools (SIFT, PolyPhen2, Align GVGD, REVEL). Due to insufficient evidences and the lack of functional studies, the clinical significance of the p.Val373Ile change remains unknown at this time. Heterozygous pathogenic variants in SLC16A1 have been associated with familial hyperinsulinemic hypoglycemia type 7 [OMIM# 610021]. All pathogenic variants described in this gene associated with hyperinsulinism to date have been located within the promotor region in individuals with exercise-induced hyperinsulinemic hypoglycemia (Otonkoski et al, 2007. Am. J. Hum. Genet. 81: 467-74). Two missense variants have been described in individuals with congenital hyperinsulinism (PMID: 33502730, 28491926). Pathogenic variants in SLC16A1 have also been associated with autosomal dominant and autosomal recessive monocarboxylate transporter 1 deficiency [OMIM# 616095] characterized by ketoacidosis and ketotic hypoglycemia, and autosomal dominant erythrocyte lactate transporter defect [OMIM# 245340] characterized by exercise-induced muscle cramping and fatigue.

NM_003051.4(SLC16A1):c.1117G>A (p.Val373Ile)

Gene: SLC16A1 (solute carrier family 16 member 1; minus strand). Cytogenetic location: 1p13.2.
Variant type: single nucleotide variant.
Coding change: c.1117G>A on transcript NM_003051.4 (MANE Select); coding-DNA position 1117, G replaced by A.
Protein change: p.Val373Ile; replaces valine 373 with isoleucine.
Molecular consequence: missense variant.
Genome position (GRCh38, 1-based): chr1:112,917,289, C>T on the plus strand (G>A on the coding strand, the complement: SLC16A1 is on the minus strand). VCF-style: chr1-112917289-C-T. GRCh37 (hg19) VCF-style: chr1-113459911-C-T.
Other names: c.1117G>A, p.Val373Ile (NM_001166496.2); short protein forms V373I.
Identifiers: ClinVar variation 291859 (VCV000291859.54), dbSNP rs200802632, ClinGen allele CA1011329.
Genomic context (GRCh38, chr1:112,917,289, plus strand): 5'-ATCCCACAGCGCTGGAGAACCTCTGGGGTCCAACAAGGTCCATCAATGTTTCAAACAATA[C>T]GGAGCTGAGCCACCCGAAGGCAAATCCAAAGAATCCCGCATAGACACAGAATCCAACATA-3'
Protein context (NP_003042.3, residues 363-383): FGFAFGWLSS[Val373Ile]LFETLMDLVG